The following is an entry in ClinVar:

ClinVar aggregate classification (germline): Likely pathogenic (1 of 4 stars; one submission).

Submission:

GeneDx
Classification: Likely pathogenic. Last evaluated: 2016-01-14. Review status: criteria provided, single submitter. Criteria: GeneDx Variant Classification (06012015). Collection method: clinical testing. Allele origin: germline. Affected: yes.
Comment: To our knowledge, the I178N variant has not been published as a pathogenic variant, nor has it been reported as a benign variant. It was not observed in approximately 6,500 individuals of European and African American ancestry in the NHLBI Exome Sequencing Project, indicating it is not a common benign variant in these populations. The I178N variant is a non-conservative amino acid substitution, which is likely to impact secondary protein structure as these residues differ in polarity, charge, size and/or other properties. This substitution occurs within a known mutational hotspot region (helix initiation motif) that is highly conserved across all species and among all members of the keratin family. It is well established that keratin gene mutations affecting the residues at the ends of the central rod domains of the keratin proteins (helix initiation and termination motifs) interfere with proper keratin intermediate filament assembly and function, resulting in hyperkeratosis (Chamcheu et al., 2011). Nevertheless, since only a single pathogenic change in KRT6B has been reported to affect the helix initiation motif, we consider the I178N variant as likely pathogenic

NM_005555.4(KRT6B):c.533T>A (p.Ile178Asn)

Gene: KRT6B (keratin 6B; minus strand). Cytogenetic location: 12q13.13.
Variant type: single nucleotide variant.
Coding change: c.533T>A on transcript NM_005555.4 (MANE Select); coding-DNA position 533, T replaced by A.
Protein change: p.Ile178Asn; replaces isoleucine 178 with asparagine.
Molecular consequence: missense variant.
Genome position (GRCh38, 1-based): chr12:52,451,546, A>T on the plus strand (T>A on the coding strand, the complement: KRT6B is on the minus strand). VCF-style: chr12-52451546-A-T. GRCh37 (hg19) VCF-style: chr12-52845330-A-T.
Other names: short protein forms I178N.
Identifiers: ClinVar variation 430318 (VCV000430318.2), dbSNP rs1131691901, ClinGen allele CA384926191.